The following is an entry in ClinVar:

NM_007118.4(TRIO):c.1600G>A (p.Val534Met)

Gene: TRIO (trio Rho guanine nucleotide exchange factor; plus strand). Cytogenetic location: 5p15.2.
Variant type: single nucleotide variant.
Coding change: c.1600G>A on transcript NM_007118.4 (MANE Select); coding-DNA position 1600, G replaced by A.
Protein change: p.Val534Met; replaces valine 534 with methionine.
Molecular consequence: missense variant. On other transcripts: non-coding transcript variant (1).
Genome position (GRCh38, 1-based): chr5:14,316,612, G>A. VCF-style: chr5-14316612-G-A. GRCh37 (hg19) VCF-style: chr5-14316721-G-A.
Other names: short protein forms V534M.
Identifiers: ClinVar variation 2136160 (VCV002136160.2), dbSNP rs775971526, ClinGen allele CA3205679.
Genomic context (GRCh38, chr5:14,316,612, plus strand): 5'-CGGCCCTTGACTCCCGGCAGCTCCGATTCCCTGACAGCCTCTGCCAACTACTCCAAGGCC[G>A]TGCACCATGTCCTGGATGTCATCCACGAGGTGCTGCACCACCAGCGGCAGCTGGAGAACA-3'
Protein context (NP_009049.2, residues 524-544): LTASANYSKA[Val534Met]HHVLDVIHEV

ClinVar aggregate classification (germline): Uncertain significance. Review status: criteria provided, multiple submitters, no conflicts (2 of 4 stars). 2 submissions from 2 submitters: Uncertain significance (2). Last evaluated 2025-11-18.

Allele frequency attached by ClinVar (database versions not stated): gnomAD exomes 0.00001; TOPMed 0.00001; ExAC 0.00002; gnomAD 0.00002.
gnomAD v4.1: 17 of 1,614,044 alleles (0.0011%); highest among the groups gnomAD compares: African/African-American, 0.004%; no homozygotes.

Submissions (2):

Women's Health and Genetics/Laboratory Corporation of America, LabCorp
Classification: Uncertain significance. Last evaluated: 2025-11-18. Review status: criteria provided, single submitter. Criteria: LabCorp Variant Classification Summary - May 2015. Collection method: clinical testing. Allele origin: germline.
Comment: Variant summary: TRIO c.1600G>A (p.Val534Met) results in a conservative amino acid change in the encoded protein sequence. Algorithms developed to predict the effect of missense changes on protein structure and function are either unavailable or do not agree on the potential impact of this missense change. The variant allele was found at a frequency of 1.2e-05 in 251108 control chromosomes. The available data on variant occurrences in the general population are insufficient to allow any conclusion about variant significance. To our knowledge, no occurrence of c.1600G>A in individuals affected with TRIO-related conditions and no experimental evidence demonstrating its impact on protein function have been reported. ClinVar contains an entry for this variant (Variation ID: 2136160). Based on the evidence outlined above, the variant was classified as uncertain significance.

GeneDx
Classification: Uncertain significance. Last evaluated: 2022-07-21. Review status: criteria provided, single submitter. Criteria: GeneDx Variant Classification Process June 2021. Collection method: clinical testing. Allele origin: germline. Affected: yes.
Comment: In silico analysis supports that this missense variant does not alter protein structure/function; Has not been previously published as pathogenic or benign to our knowledge